The following is an entry in ClinVar:

ClinVar aggregate classification (germline): Likely pathogenic (1 of 4 stars; one submission).

Submission:

GeneDx
Classification: Likely pathogenic. Last evaluated: 2026-09-25. Review status: criteria provided, single submitter. Criteria: GeneDx Variant Classification Process June 2021. Collection method: clinical testing. Allele origin: germline.
Comment: In silico analysis supports that this missense variant has a deleterious effect on protein structure/function; Not observed at significant frequency in large population cohorts (gnomAD); Has not been previously published as pathogenic or benign to our knowledge

NM_000217.3(KCNA1):c.976C>G (p.Leu326Val)

Gene: KCNA1 (potassium voltage-gated channel subfamily A member 1; plus strand). Cytogenetic location: 12p13.32.
Variant type: single nucleotide variant.
Coding change: c.976C>G on transcript NM_000217.3 (MANE Select); coding-DNA position 976, C replaced by G.
Protein change: p.Leu326Val; replaces leucine 326 with valine.
Molecular consequence: missense variant.
Genome position (GRCh38, 1-based): chr12:4,912,354, C>G. VCF-style: chr12-4912354-C-G. GRCh37 (hg19) VCF-style: chr12-5021520-C-G.
Other names: short protein forms L326V.
Identifiers: ClinVar variation 2504723 (VCV002504723.2), dbSNP rs774438747, ClinGen allele CA383455759.